The following is an entry in ClinVar:

ClinVar aggregate classification (germline): Uncertain significance (1 of 4 stars; one submission).

Conditions:
Hereditary pancreatitis (PCTT). Also called: Hereditary chronic pancreatitis; PRSS1-Related Hereditary Pancreatitis. Identifiers: Orphanet 676, MedGen C0238339, MONDO:0008185, OMIM 167800.

Submission:

Ambry Genetics
Classification: Uncertain significance for Hereditary pancreatitis. Last evaluated: 2025-03-26. Review status: criteria provided, single submitter. Criteria: Ambry Variant Classification Scheme 2023. Collection method: clinical testing. Allele origin: germline.
Comment: The p.A393P variant (also known as c.1177G>C), located in coding exon 10 of the CPA1 gene, results from a G to C substitution at nucleotide position 1177. The alanine at codon 393 is replaced by proline, an amino acid with highly similar properties. This amino acid position is conserved. In addition, the in silico prediction for this alteration is inconclusive. Since supporting evidence is limited at this time, the clinical significance of this alteration remains unclear.

NM_001868.4(CPA1):c.1177G>C (p.Ala393Pro)

Gene: CPA1 (carboxypeptidase A1; plus strand). Cytogenetic location: 7q32.2.
Variant type: single nucleotide variant.
Coding change: c.1177G>C on transcript NM_001868.4 (MANE Select); coding-DNA position 1177, G replaced by C.
Protein change: p.Ala393Pro; replaces alanine 393 with proline.
Molecular consequence: missense variant.
Genome position (GRCh38, 1-based): chr7:130,387,928, G>C. VCF-style: chr7-130387928-G-C. GRCh37 (hg19) VCF-style: chr7-130027769-G-C.
Other names: short protein forms A393P.
Identifiers: ClinVar variation 1741094 (VCV001741094.3), dbSNP rs2536015464, ClinGen allele CA369284418.